The following is an entry in ClinVar:

ClinVar aggregate classification (germline): Uncertain significance (1 of 4 stars; one submission).

Conditions:
Ataxia-telangiectasia syndrome (AT). Also called: Ataxia-telangiectasia, complementation group D; AT, COMPLEMENTATION GROUP C; ATAXIA-TELANGIECTASIA, COMPLEMENTATION GROUP A; ATAXIA-TELANGIECTASIA, FRESNO VARIANT; Ataxia-telangiectasia; Ataxia-telangiectasia, complementation group E. Identifiers: Orphanet 100, MedGen C0004135, MONDO:0008840, OMIM 208900.

Submission:

Labcorp Genetics (formerly Invitae), Labcorp
Classification: Uncertain significance for Ataxia-telangiectasia syndrome. Last evaluated: 2024-04-25. Review status: criteria provided, single submitter. Criteria: Invitae Variant Classification Sherloc (09022015). Collection method: clinical testing. Allele origin: germline.
Comment: This sequence change replaces lysine, which is basic and polar, with isoleucine, which is neutral and non-polar, at codon 1992 of the ATM protein (p.Lys1992Ile). This variant is not present in population databases (gnomAD no frequency). This variant has not been reported in the literature in individuals affected with ATM-related conditions. An algorithm developed to predict the effect of missense changes on protein structure and function (PolyPhen-2) suggests that this variant is likely to be disruptive. In summary, the available evidence is currently insufficient to determine the role of this variant in disease. Therefore, it has been classified as a Variant of Uncertain Significance.

NM_000051.4(ATM):c.5975A>T (p.Lys1992Ile)

Genes: ATM (ATM serine/threonine kinase; plus strand), C11orf65 (chromosome 11 open reading frame 65; minus strand). Cytogenetic location: 11q22.3.
Variant type: single nucleotide variant.
Coding change: c.5975A>T on transcript NM_000051.4 (MANE Select); coding-DNA position 5975, A replaced by T.
Protein change: p.Lys1992Ile; replaces lysine 1992 with isoleucine.
Molecular consequence: missense variant. On other transcripts: intron variant (2).
Genome position (GRCh38, 1-based): chr11:108,312,467, A>T. VCF-style: chr11-108312467-A-T. GRCh37 (hg19) VCF-style: chr11-108183194-A-T.
Other names: c.5975A>T, p.Lys1992Ile (NM_001351834.2); c.641-3396T>A (NM_001330368.2); c.*39-3396T>A (NM_001351110.2); short protein forms K1992I.
Identifiers: ClinVar variation 3688758 (VCV003688758.2).